The following is an entry in ClinVar:

NM_174936.4(PCSK9):c.1402A>T (p.Thr468Ser)

Gene: PCSK9 (proprotein convertase subtilisin/kexin type 9; plus strand). Cytogenetic location: 1p32.3.
Variant type: single nucleotide variant.
Coding change: c.1402A>T on transcript NM_174936.4 (MANE Select); coding-DNA position 1402, A replaced by T.
Protein change: p.Thr468Ser; replaces threonine 468 with serine.
Molecular consequence: missense variant. On other transcripts: non-coding transcript variant (8), intron variant (1).
Genome position (GRCh38, 1-based): chr1:55,058,546, A>T. VCF-style: chr1-55058546-A-T. GRCh37 (hg19) VCF-style: chr1-55524219-A-T.
Other names: c.1525A>T, p.Thr509Ser (NM_001407240.1); c.1402A>T, p.Thr468Ser (NM_001407241.1); c.1405A>T, p.Thr469Ser (NM_001407242.1); c.1345A>T, p.Thr449Ser (NM_001407243.1); c.1228A>T, p.Thr410Ser (NM_001407244.1); c.1210A>T, p.Thr404Ser (NM_001407245.1); c.1027A>T, p.Thr343Ser (NM_001407246.1); c.1180+1032A>T (NM_001407247.1); short protein forms T343S, T468S, T509S, T410S, T469S, T404S, T449S.
Identifiers: ClinVar variation 4838687 (VCV004838687.2).

ClinVar aggregate classification (germline): Uncertain significance (1 of 4 stars; one submission).

Conditions:
Cardiovascular phenotype. Identifiers: MedGen CN230736.

gnomAD v4.1: 1 of 1,611,994 alleles (0.000062%); highest among the groups gnomAD compares: South Asian, 0.0011%; no homozygotes.

Submission:

Ambry Genetics
Classification: Uncertain significance for Cardiovascular phenotype. Last evaluated: 2026-09-11. Review status: criteria provided, single submitter. Criteria: Ambry Variant Classification Scheme 2023. Collection method: clinical testing. Allele origin: germline.
Comment: The p.T468S variant (also known as c.1402A>T), located in coding exon 9 of the PCSK9 gene, results from an A to T substitution at nucleotide position 1402. The threonine at codon 468 is replaced by serine, an amino acid with similar properties. This amino acid position is conserved. In addition, this alteration is predicted to be tolerated by in silico analysis. Based on the available evidence, the clinical significance of this variant remains unclear.